The following is an entry in ClinVar:

ClinVar aggregate classification (germline): Uncertain significance (1 of 4 stars; one submission).

Submission:

Labcorp Genetics (formerly Invitae), Labcorp
Classification: Uncertain significance. Last evaluated: 2025-05-01. Review status: criteria provided, single submitter. Criteria: Invitae Variant Classification Sherloc (09022015). Collection method: clinical testing. Allele origin: germline.
Comment: This sequence change replaces proline, which is neutral and non-polar, with threonine, which is neutral and polar, at codon 2084 of the KMT2A protein (p.Pro2084Thr). This variant is not present in population databases (gnomAD no frequency). This variant has not been reported in the literature in individuals affected with KMT2A-related conditions. Invitae Evidence Modeling of protein sequence and biophysical properties (such as structural, functional, and spatial information, amino acid conservation, physicochemical variation, residue mobility, and thermodynamic stability) indicates that this missense variant is not expected to disrupt KMT2A protein function with a negative predictive value of 95%. In summary, the available evidence is currently insufficient to determine the role of this variant in disease. Therefore, it has been classified as a Variant of Uncertain Significance.

NM_001197104.2(KMT2A):c.6250C>A (p.Pro2084Thr)

Gene: KMT2A (lysine methyltransferase 2A; plus strand). Cytogenetic location: 11q23.3.
Variant type: single nucleotide variant.
Coding change: c.6250C>A on transcript NM_001197104.2 (MANE Select); coding-DNA position 6250, C replaced by A.
Protein change: p.Pro2084Thr; replaces proline 2084 with threonine.
Molecular consequence: missense variant.
Genome position (GRCh38, 1-based): chr11:118,501,078, C>A. VCF-style: chr11-118501078-C-A. GRCh37 (hg19) VCF-style: chr11-118371793-C-A.
Other names: c.6340C>A, p.Pro2114Thr (NM_001412597.1); c.6241C>A, p.Pro2081Thr (NM_005933.4); short protein forms P2081T, P2084T, P2114T.
Identifiers: ClinVar variation 4800549 (VCV004800549.1).